The following is an entry in ClinVar:

NM_004369.4(COL6A3):c.9230-203C>T

Gene: COL6A3 (collagen type VI alpha 3 chain; minus strand). Cytogenetic location: 2q37.3.
Variant type: single nucleotide variant.
Coding change: c.9230-203C>T on transcript NM_004369.4 (MANE Select); 203 bases into the intron before coding-DNA position 9230, C replaced by T.
Molecular consequence: intron variant.
Genome position (GRCh38, 1-based): chr2:237,333,751, G>A on the plus strand (C>T on the coding strand, the complement: COL6A3 is on the minus strand). VCF-style: chr2-237333751-G-A. GRCh37 (hg19) VCF-style: chr2-238242394-G-A.
Other names: c.7409-203C>T (NM_057166.5); c.8612-203C>T (NM_057167.4).
Identifiers: ClinVar variation 678387 (VCV000678387.2), dbSNP rs78802632, ClinGen allele CA67828903.
Genomic context (GRCh38, chr2:237,333,751, plus strand): 5'-CCTCTACATCCACGACTTATGCTGTGGGCTACAAGTTGGATCCATGAGCTAATAAGCGAC[G>A]GGAGGGGATCCCTGAACTTCTGAACAAATCCTCTCACTTCCCAGACAGCCTCTTCTGCTG-3'

ClinVar aggregate classification (germline): Benign. Review status: criteria provided, multiple submitters, no conflicts (2 of 4 stars). 2 submissions from 2 submitters: Benign (2). Last evaluated 2018-06-18.

Allele frequency attached by ClinVar (database versions not stated): 1000 Genomes Project 0.02177; 1000 Genomes Project 30x 0.02342; gnomAD 0.02529 and 0.02744; TOPMed 0.02902.
gnomAD v4.1: 3,811 of 152,240 alleles (2.5%); highest among the groups gnomAD compares: African/African-American, 8.6%; 169 homozygotes.

Submissions (2):

GeneDx
Classification: Benign. Last evaluated: 2018-06-18. Review status: criteria provided, single submitter. Criteria: GeneDx Variant Classification (06012015). Collection method: clinical testing. Allele origin: germline. Affected: yes.
Comment: This variant is considered likely benign or benign based on one or more of the following criteria: it is a conservative change, it occurs at a poorly conserved position in the protein, it is predicted to be benign by multiple in silico algorithms, and/or has population frequency not consistent with disease.

Breakthrough Genomics
Classification: Benign. Review status: criteria provided, single submitter. Criteria: ACMG Guidelines, 2015. Collection method: not provided. Allele origin: germline. Inheritance: Autosomal recessive inheritance. Affected: yes.